The following is an entry in ClinVar:

NM_000937.5(POLR2A):c.1114A>G (p.Asn372Asp)

Gene: POLR2A (RNA polymerase II subunit A; plus strand). Cytogenetic location: 17p13.1.
Variant type: single nucleotide variant.
Coding change: c.1114A>G on transcript NM_000937.5 (MANE Select); coding-DNA position 1114, A replaced by G.
Protein change: p.Asn372Asp; replaces asparagine 372 with aspartic acid.
Molecular consequence: missense variant.
Genome position (GRCh38, 1-based): chr17:7,497,782, A>G. VCF-style: chr17-7497782-A-G. GRCh37 (hg19) VCF-style: chr17-7401101-A-G.
Other names: short protein forms N372D.
Identifiers: ClinVar variation 1309420 (VCV001309420.2), dbSNP rs2070540765, ClinGen allele CA397869090.

ClinVar aggregate classification (germline): Uncertain significance (1 of 4 stars; one submission).

Submission:

GeneDx
Classification: Uncertain significance. Last evaluated: 2019-10-30. Review status: criteria provided, single submitter. Criteria: GeneDx Variant Classification Process June 2021. Collection method: clinical testing. Allele origin: germline. Affected: yes.
Comment: Not observed in large population cohorts (Lek et al., 2016); In silico analysis, which includes protein predictors and evolutionary conservation, supports a deleterious effect; Has not been previously published as pathogenic or benign to our knowledge